The following is an entry in ClinVar:

NM_052867.4(NALCN):c.2859C>T (p.Phe953=)

Gene: NALCN (sodium leak channel, non-selective; minus strand). Cytogenetic location: 13q33.1.
Variant type: single nucleotide variant.
Coding change: c.2859C>T on transcript NM_052867.4 (MANE Select); coding-DNA position 2859, C replaced by T.
Protein change: p.Phe953=; no amino-acid change (phenylalanine 953 retained).
Molecular consequence: synonymous variant.
Genome position (GRCh38, 1-based): chr13:101,104,325, G>A on the plus strand (C>T on the coding strand, the complement: NALCN is on the minus strand). VCF-style: chr13-101104325-G-A. GRCh37 (hg19) VCF-style: chr13-101756676-G-A.
Other names: c.2946C>T, p.Phe982= (NM_001350748.2); c.2859C>T, p.Phe953= (NM_001350749.2); c.2772C>T, p.Phe924= (NM_001350750.2, NM_001350751.2).
Identifiers: ClinVar variation 702036 (VCV000702036.17), dbSNP rs34033086, ClinGen allele CA7035567.

ClinVar aggregate classification (germline): Benign/Likely benign. Review status: criteria provided, multiple submitters, no conflicts (2 of 4 stars). 6 submissions from 6 submitters: Benign (1); Likely benign (4). 1 of the submissions does not count toward it. Last evaluated 2026-01-26.

Conditions:
NALCN-related disorder. Also called: NALCN-related condition; NALCN-related disorders.
Congenital contractures of the limbs and face, hypotonia, and developmental delay (CLIFAHDD). Identifiers: Orphanet 562528, MedGen C4225398, MONDO:0014556, OMIM 616266.
Hypotonia, infantile, with psychomotor retardation and characteristic facies 1 (INNFD). Identifiers: Orphanet 371364, Orphanet 700336, MedGen C3809454, MONDO:0024567, OMIM 615419.

Allele frequency attached by ClinVar (database versions not stated): gnomAD exomes 0.00070 and 0.00188; ExAC 0.00230; gnomAD 0.00751 and 0.00816; 1000 Genomes Project 0.00819; ESP Exome Variant Server 0.00869; TOPMed 0.00886; 1000 Genomes Project 30x 0.00890.
gnomAD v4.1: 2,188 of 1,612,814 alleles (0.14%); highest among the groups gnomAD compares: African/African-American, 2.6%; 28 homozygotes.

Submissions (6):

Labcorp Genetics (formerly Invitae), Labcorp
Classification: Benign. Last evaluated: 2026-01-26. Review status: criteria provided, single submitter. Criteria: Invitae Variant Classification Sherloc (09022015). Collection method: clinical testing. Allele origin: germline.

Blueprint Genetics
Classification: Likely benign. Last evaluated: 2024-11-26. Review status: criteria provided, single submitter. Criteria: ACMG Guidelines, 2015. Collection method: clinical testing. Allele origin: germline.

Fulgent Genetics
Classification: Likely benign for Hypotonia, infantile, with psychomotor retardation and characteristic facies 1; Congenital contractures of the limbs and face, hypotonia, and developmental delay. Last evaluated: 2022-05-17. Review status: criteria provided, single submitter. Criteria: ACMG Guidelines, 2015. Collection method: clinical testing. Allele origin: unknown.

GeneDx
Classification: Likely benign. Last evaluated: 2020-09-03. Review status: criteria provided, single submitter. Criteria: GeneDx Variant Classification Process June 2021. Collection method: clinical testing. Allele origin: germline. Affected: yes.

Breakthrough Genomics
Classification: Likely benign. Review status: criteria provided, single submitter. Criteria: ACMG Guidelines, 2015. Collection method: not provided. Allele origin: germline. Inheritance: Autosomal recessive inheritance. Affected: yes.

PreventionGenetics, part of Exact Sciences
Classification: Benign for NALCN-related condition. Last evaluated: 2019-05-31. Review status: no assertion criteria provided. Collection method: clinical testing. Allele origin: germline. Not counted in ClinVar's aggregate classification.
Comment: This variant is classified as benign based on ACMG/AMP sequence variant interpretation guidelines (Richards et al. 2015 PMID: 25741868, with internal and published modifications).